The following is an entry in ClinVar:

ClinVar aggregate classification (germline): Likely benign (0 of 4 stars; one submission).

Conditions:
PXDNL-related disorder. Also called: PXDNL-related condition.

Allele frequency attached by ClinVar (database versions not stated): ExAC 0.00003; TOPMed 0.00007; gnomAD 0.00010; gnomAD exomes 0.00016.
gnomAD v4.1: 258 of 1,611,974 alleles (0.016%); highest among the groups gnomAD compares: Non-Finnish European, 0.02%; no homozygotes.

Submission:

PreventionGenetics, part of Exact Sciences
Classification: Likely benign for PXDNL-related condition. Last evaluated: 2019-11-27. Review status: no assertion criteria provided. Collection method: clinical testing. Allele origin: germline.
Comment: This variant is classified as likely benign based on ACMG/AMP sequence variant interpretation guidelines (Richards et al. 2015 PMID: 25741868, with internal and published modifications).

NM_144651.5(PXDNL):c.720G>A (p.Pro240=)

Gene: PXDNL (peroxidasin like; minus strand). Cytogenetic location: 8q11.22.
Variant type: single nucleotide variant.
Coding change: c.720G>A on transcript NM_144651.5 (MANE Select); coding-DNA position 720, G replaced by A.
Protein change: p.Pro240=; no amino-acid change (proline 240 retained).
Molecular consequence: synonymous variant.
Genome position (GRCh38, 1-based): chr8:51,472,279, C>T on the plus strand (G>A on the coding strand, the complement: PXDNL is on the minus strand). VCF-style: chr8-51472279-C-T. GRCh37 (hg19) VCF-style: chr8-52384839-C-T.
Identifiers: ClinVar variation 3047972 (VCV003047972.2), dbSNP rs752441873, ClinGen allele CA4745548.
Genomic context (GRCh38, chr8:51,472,279, plus strand): 5'-GTTTCCTTCCGCCCGGCAGGTGAAGTAGACGGTATTTCCTGATGGTACCTCCACATCCTG[C>T]GGCTCAAAAGTAATTCGGGGGCTCTCTGCAACAAAAGAATTATTGATGTATTTTTCAGAG-3'
Protein context (NP_653252.4, residues 230-250): NCQSPRITFE[Pro240=]QDVEVPSGNT